The following is an entry in ClinVar:

NM_000520.6(HEXA):c.1022A>G (p.Lys341Arg)

Gene: HEXA (hexosaminidase subunit alpha; minus strand). Cytogenetic location: 15q23.
Variant type: single nucleotide variant.
Coding change: c.1022A>G on transcript NM_000520.6 (MANE Select); coding-DNA position 1022, A replaced by G.
Protein change: p.Lys341Arg; replaces lysine 341 with arginine.
Molecular consequence: missense variant. On other transcripts: non-coding transcript variant (1).
Genome position (GRCh38, 1-based): chr15:72,348,099, T>C on the plus strand (A>G on the coding strand, the complement: HEXA is on the minus strand). VCF-style: chr15-72348099-T-C. GRCh37 (hg19) VCF-style: chr15-72640440-T-C.
Other names: p.Lys341Arg; c.1055A>G, p.Lys352Arg (NM_001318825.2); short protein forms K341R, K352R.
Identifiers: ClinVar variation 555019 (VCV000555019.7), dbSNP rs1417593132, ClinGen allele CA393061935.
Genomic context (GRCh38, chr15:72,348,099, plus strand): 5'-CTTCCTCACGTCTGGATGTAGAAGGACTCCAGCTGCTTGAAGTCCTCACCGAAGCCTTTC[T>C]TCCTCATAAAGTCCTGGATCTCTGGGTTGGACTTCCTGAATCCCAAGAGAAAATGAAGAT-3'
Protein context (NP_000511.2, residues 331-351): SNPEIQDFMR[Lys341Arg]KGFGEDFKQL

ClinVar aggregate classification (germline): Uncertain significance. Review status: criteria provided, multiple submitters, no conflicts (2 of 4 stars). 4 submissions from 4 submitters: Uncertain significance (3). 1 of the submissions does not count toward it. Last evaluated 2025-01-08.

Conditions:
Tay-Sachs disease (TSD). Also called: HEXA Disorders; HEXA DEFICIENCY; Hexosaminidase A Deficiency; GM2 gangliosidosis, type 1; Hexosaminidase alpha-subunit deficiency (variant B); Sphingolipidosis, Tay-Sachs. Identifiers: Orphanet 845, MedGen C0039373, MONDO:0010100, OMIM 272800.

Allele frequency attached by ClinVar (database versions not stated): gnomAD exomes below 0.00001.
gnomAD v4.1: 1 of 1,613,698 alleles (0.000062%); highest among the groups gnomAD compares: Admixed American, 0.0017%; no homozygotes.

Submissions (4):

ARUP Laboratories, Molecular Genetics and Genomics, ARUP Laboratories
Classification: Uncertain significance. Last evaluated: 2025-01-08. Review status: criteria provided, single submitter. Criteria: ARUP Molecular Germline Variant Investigation Process 2024. Collection method: clinical testing. Allele origin: germline.
Comment: The HEXA c.1022A>G; p.Lys341Arg variant (rs1417593132), to our knowledge, is not reported in the medical literature but is reported in ClinVar (Variation ID: 555019). This variant is only observed on one allele in the Genome Aggregation Database (v2.1.1), indicating it is not a common polymorphism. Computational analyses are uncertain whether this variant is neutral or deleterious (REVEL: 0.351). Due to limited information, the clinical significance of this variant is uncertain at this time.

Mayo Clinic Laboratories, Mayo Clinic
Classification: Uncertain significance. Last evaluated: 2024-12-30. Review status: criteria provided, single submitter. Criteria: ACMG Guidelines, 2015. Collection method: clinical testing. Allele origin: germline. Observed: 1 variant allele.
Comment: PM2_supporting

Labcorp Genetics (formerly Invitae), Labcorp
Classification: Uncertain significance for Tay-Sachs disease. Last evaluated: 2021-11-06. Review status: criteria provided, single submitter. Criteria: Invitae Variant Classification Sherloc (09022015). Collection method: clinical testing. Allele origin: germline.
Comment: This sequence change replaces lysine, which is basic and polar, with arginine, which is basic and polar, at codon 341 of the HEXA protein (p.Lys341Arg). This variant is present in population databases (no rsID available, gnomAD 0.003%). This variant has not been reported in the literature in individuals affected with HEXA-related conditions. ClinVar contains an entry for this variant (Variation ID: 555019). Algorithms developed to predict the effect of missense changes on protein structure and function (SIFT, PolyPhen-2, Align-GVGD) all suggest that this variant is likely to be tolerated. In summary, the available evidence is currently insufficient to determine the role of this variant in disease. Therefore, it has been classified as a Variant of Uncertain Significance.

Counsyl
Classification: Uncertain significance for Tay-Sachs disease. Last evaluated: 2017-11-16. Review status: no assertion criteria provided. Collection method: clinical testing. Allele origin: unknown. Not counted in ClinVar's aggregate classification.